The following is an entry in ClinVar:

NM_001291303.3(FAT4):c.13202G>A (p.Arg4401His)

Gene: FAT4 (FAT atypical cadherin 4; plus strand). Cytogenetic location: 4q28.1.
Variant type: single nucleotide variant.
Coding change: c.13202G>A on transcript NM_001291303.3 (MANE Select); coding-DNA position 13202, G replaced by A.
Protein change: p.Arg4401His; replaces arginine 4401 with histidine.
Molecular consequence: missense variant.
Genome position (GRCh38, 1-based): chr4:125,490,018, G>A. VCF-style: chr4-125490018-G-A. GRCh37 (hg19) VCF-style: chr4-126411173-G-A.
Other names: c.13199G>A, p.Arg4400His (NM_001291285.3); c.13196G>A, p.Arg4399His (NM_024582.6); c.13196G>A (NM_024582.4); short protein forms R4401H, R4399H, R4400H.
Identifiers: ClinVar variation 1483084 (VCV001483084.6), dbSNP rs778549155, ClinGen allele CA3074320.
Genomic context (GRCh38, chr4:125,490,018, plus strand): 5'-GCGGGAAGCATAGCTTGGCCTCCATCTCAAAAACAGATCCCTCAGTGAAGATTGGCTGCC[G>A]TGGCCCGAACATTTGTGCCAGCAACCCCTGCTGGGGTGATTTGCTGTGCATTAATCAGTG-3'
Protein context (NP_001278232.1, residues 4391-4411): KTDPSVKIGC[Arg4401His]GPNICASNPC

ClinVar aggregate classification (germline): Uncertain significance. Review status: criteria provided, multiple submitters, no conflicts (2 of 4 stars). 2 submissions from 2 submitters: Uncertain significance (2). Last evaluated 2025-07-14.

Conditions:
Inborn genetic diseases. Identifiers: MedGen C0950123, MeSH D030342.

Allele frequency attached by ClinVar (database versions not stated): gnomAD 0.00003 and 0.00004; gnomAD exomes 0.00003; TOPMed 0.00003; ExAC 0.00004.
gnomAD v4.1: 78 of 1,613,862 alleles (0.0048%); highest among the groups gnomAD compares: South Asian, 0.016%; no homozygotes.

Submissions (2):

Ambry Genetics
Classification: Uncertain significance for Inborn genetic diseases. Last evaluated: 2025-07-14. Review status: criteria provided, single submitter. Criteria: Ambry Variant Classification Scheme 2023. Collection method: clinical testing. Allele origin: germline.

Labcorp Genetics (formerly Invitae), Labcorp
Classification: Uncertain significance. Last evaluated: 2021-09-01. Review status: criteria provided, single submitter. Criteria: Invitae Variant Classification Sherloc (09022015). Collection method: clinical testing. Allele origin: germline.
Comment: This sequence change replaces arginine with histidine at codon 4399 of the FAT4 protein (p.Arg4399His). The arginine residue is highly conserved and there is a small physicochemical difference between arginine and histidine. This variant is present in population databases (rs778549155, ExAC 0.03%). This variant has not been reported in the literature in individuals affected with FAT4-related conditions. Advanced modeling of protein sequence and biophysical properties (such as structural, functional, and spatial information, amino acid conservation, physicochemical variation, residue mobility, and thermodynamic stability) performed at Invitae indicates that this missense variant is not expected to disrupt FAT4 protein function. In summary, the available evidence is currently insufficient to determine the role of this variant in disease. Therefore, it has been classified as a Variant of Uncertain Significance.